The following is an entry in ClinVar:

NM_000182.5(HADHA):c.*202G>A

Genes: HADHA (hydroxyacyl-CoA dehydrogenase trifunctional multienzyme complex subunit alpha; minus strand), GAREM2 (GRB2 associated regulator of MAPK1 subtype 2; plus strand). Cytogenetic location: 2p23.3.
Variant type: single nucleotide variant.
Coding change: c.*202G>A on transcript NM_000182.5 (MANE Select); 202 bases downstream of the stop codon, G replaced by A.
Molecular consequence: 3 prime UTR variant.
Genome position (GRCh38, 1-based): chr2:26,191,048, C>T on the plus strand (G>A on the coding strand, the complement: HADHA is on the minus strand). VCF-style: chr2-26191048-C-T. GRCh37 (hg19) VCF-style: chr2-26413917-C-T.
Identifiers: ClinVar variation 335372 (VCV000335372.8), dbSNP rs7260, ClinGen allele CA10615051.

ClinVar aggregate classification (germline): Benign. Review status: criteria provided, multiple submitters, no conflicts (2 of 4 stars). 4 submissions from 3 submitters: Benign (4). Last evaluated 2018-06-14.

Conditions:
Long chain 3-hydroxyacyl-CoA dehydrogenase deficiency. Also called: Deficiency of long-chain 3-hydroxyacyl-coenzyme A dehydrogenase; LCHAD Deficiency. Identifiers: Orphanet 5, MedGen C3711645, MONDO:0012173, OMIM 609016.
Mitochondrial trifunctional protein deficiency. Identifiers: Orphanet 746, MedGen C1969443, MONDO:0012172.

Allele frequency attached by ClinVar (database versions not stated): TOPMed 0.77416; 1000 Genomes Project 30x 0.78389; 1000 Genomes Project 0.78754.
gnomAD v4.1: 501,809 of 644,272 alleles (78%); highest among the groups gnomAD compares: East Asian, 87%; 195,983 homozygotes.

Submissions (4):

GeneDx
Classification: Benign. Last evaluated: 2018-06-14. Review status: criteria provided, single submitter. Criteria: GeneDx Variant Classification Process June 2021. Collection method: clinical testing. Allele origin: germline. Affected: yes.

Illumina Laboratory Services, Illumina
Classification: Benign for Mitochondrial trifunctional protein deficiency 1. Last evaluated: 2018-01-12. Review status: criteria provided, single submitter. Criteria: ICSL Variant Classification Criteria 13 December 2019. Collection method: clinical testing. Allele origin: germline.
Comment: This variant was observed in the ICSL laboratory as part of a predisposition screen in an ostensibly healthy population. It had not been previously curated by ICSL or reported in the Human Gene Mutation Database (HGMD: prior to June 1st, 2018), and was therefore a candidate for classification through an automated scoring system. Utilizing variant allele frequency, disease prevalence and penetrance estimates, and inheritance mode, an automated score was calculated to assess if this variant is too frequent to cause the disease. Based on the score and internal cut-off values, a variant classified as benign is not then subjected to further curation. The score for this variant resulted in a classification of benign for this disease.

Illumina Laboratory Services, Illumina
Classification: Benign for Long chain 3-hydroxyacyl-CoA dehydrogenase deficiency. Last evaluated: 2018-01-12. Review status: criteria provided, single submitter. Criteria: ICSL Variant Classification Criteria 13 December 2019. Collection method: clinical testing. Allele origin: germline.
Comment: the same text as in the submission from Illumina Laboratory Services, Illumina above.

Breakthrough Genomics
Classification: Benign. Review status: criteria provided, single submitter. Criteria: ACMG Guidelines, 2015. Collection method: not provided. Allele origin: germline. Inheritance: Autosomal recessive inheritance. Affected: yes.